The following is an entry in ClinVar:

NM_000751.3(CHRND):c.933-2A>G

Gene: CHRND (cholinergic receptor nicotinic delta subunit; plus strand). Cytogenetic location: 2q37.1.
Variant type: single nucleotide variant.
Coding change: c.933-2A>G on transcript NM_000751.3 (MANE Select); the canonical splice acceptor site of the intron before coding-DNA position 933, A replaced by G.
Molecular consequence: splice acceptor variant.
Genome position (GRCh38, 1-based): chr2:232,531,540, A>G. VCF-style: chr2-232531540-A-G. GRCh37 (hg19) VCF-style: chr2-233396250-A-G.
Other names: c.351-2A>G (NM_001311195.2); c.630-2A>G (NM_001311196.2); c.888-2A>G (NM_001256657.2).
Identifiers: ClinVar variation 422341 (VCV000422341.5), dbSNP rs1064795719, ClinGen allele CA16617496.

ClinVar aggregate classification (germline): Likely pathogenic. Review status: criteria provided, multiple submitters, no conflicts (2 of 4 stars). 2 submissions from 2 submitters: Likely pathogenic (2). Last evaluated 2026-03-04.

Conditions:
Lethal multiple pterygium syndrome (LMPS). Identifiers: Orphanet 33108, MedGen C1854678, MONDO:0009668, OMIM 253290.

Allele frequency attached by ClinVar (database versions not stated): gnomAD exomes below 0.00001; TOPMed below 0.00001.
gnomAD v4.1: 1 of 1,614,052 alleles (0.000062%); highest among the groups gnomAD compares: Non-Finnish European, 0.000085%; no homozygotes.

Submissions (2):

GeneDx
Classification: Likely pathogenic. Last evaluated: 2026-03-04. Review status: criteria provided, single submitter. Criteria: GeneDx Variant Classification Process June 2021. Collection method: clinical testing. Allele origin: germline. Affected: yes.
Comment: Canonical splice site variant predicted to result in a null allele in a gene for which loss of function is a known mechanism of disease; Not observed at significant frequency in large population cohorts (gnomAD); Has not been previously published as pathogenic or benign to our knowledge

Labcorp Genetics (formerly Invitae), Labcorp
Classification: Likely pathogenic for Lethal multiple pterygium syndrome. Last evaluated: 2024-03-02. Review status: criteria provided, single submitter. Criteria: Invitae Variant Classification Sherloc (09022015). Collection method: clinical testing. Allele origin: germline.
Comment: This sequence change affects an acceptor splice site in intron 8 of the CHRND gene. It is expected to disrupt RNA splicing. Variants that disrupt the donor or acceptor splice site typically lead to a loss of protein function (PMID: 16199547), and loss-of-function variants in CHRND are known to be pathogenic (PMID: 11435464, 25264167). This variant is present in population databases (no rsID available, gnomAD 0.0009%). This variant has not been reported in the literature in individuals affected with CHRND-related conditions. ClinVar contains an entry for this variant (Variation ID: 422341). Algorithms developed to predict the effect of sequence changes on RNA splicing suggest that this variant may disrupt the consensus splice site. In summary, the currently available evidence indicates that the variant is pathogenic, but additional data are needed to prove that conclusively. Therefore, this variant has been classified as Likely Pathogenic.

Literature cited by the submitters: PubMed 16199547 (cited by Labcorp Genetics (formerly Invitae), Labcorp); PubMed 11435464 (cited by Labcorp Genetics (formerly Invitae), Labcorp); PubMed 25264167 (cited by Labcorp Genetics (formerly Invitae), Labcorp).